The following is an entry in ClinVar:

ClinVar aggregate classification (germline): Uncertain significance (1 of 4 stars; one submission).

Allele frequency attached by ClinVar (database versions not stated): gnomAD exomes below 0.00001.
gnomAD v4.1: 1 of 1,600,052 alleles (0.000062%); highest among the groups gnomAD compares: Non-Finnish European, 0.000086%; no homozygotes.

Submission:

CeGaT Center for Human Genetics Tuebingen
Classification: Uncertain significance. Last evaluated: 2023-09-01. Review status: criteria provided, single submitter. Criteria: CeGaT Center For Human Genetics Tuebingen Variant Classification Criteria Version 2. Collection method: clinical testing. Allele origin: germline. Affected: yes. Observed: 1 variant allele.
Comment: PPP2R5D: PM2, BP4

NM_006245.4(PPP2R5D):c.726+3G>A

Gene: PPP2R5D (protein phosphatase 2 regulatory subunit B'delta; plus strand). Cytogenetic location: 6p21.1.
Variant type: single nucleotide variant.
Coding change: c.726+3G>A on transcript NM_006245.4 (MANE Select); 3 bases into the intron after coding-DNA position 726, G replaced by A.
Molecular consequence: intron variant.
Genome position (GRCh38, 1-based): chr6:43,007,509, G>A. VCF-style: chr6-43007509-G-A. GRCh37 (hg19) VCF-style: chr6-42975247-G-A.
Other names: c.273+3G>A (NM_001270476.2); c.630+3G>A (NM_180976.3); c.408+3G>A (NM_180977.3).
Identifiers: ClinVar variation 2583038 (VCV002583038.25), dbSNP rs2150279083, ClinGen allele CA2582341704.